The following is an entry in ClinVar:

NM_170662.5(CBLB):c.1341A>C (p.Leu447=)

Genes: CBLB (Cbl proto-oncogene B; minus strand), LOC126806757 (P300/CBP strongly-dependent group 1 enhancer GRCh37_chr3:105438452-105439651; plus strand). Cytogenetic location: 3q13.11.
Variant type: single nucleotide variant.
Coding change: c.1341A>C on transcript NM_170662.5 (MANE Select); coding-DNA position 1341, A replaced by C.
Protein change: p.Leu447=; no amino-acid change (leucine 447 retained).
Molecular consequence: synonymous variant. On other transcripts: non-coding transcript variant (7).
Genome position (GRCh38, 1-based): chr3:105,720,113, T>G on the plus strand (A>C on the coding strand, the complement: CBLB is on the minus strand). VCF-style: chr3-105720113-T-G. GRCh37 (hg19) VCF-style: chr3-105438957-T-G.
Other names: c.1425A>C, p.Leu475= (NM_001321786.1, NM_001321789.1); c.1341A>C, p.Leu447= (NM_001321788.2, NM_001321791.2, NM_001321793.2 and 4 more transcripts); c.1407A>C, p.Leu469= (NM_001321790.2); c.1194A>C, p.Leu398= (NM_001321796.2, NM_001321799.2); c.561A>C, p.Leu187= (NM_001321806.2, NM_001321807.2, NM_001321808.2 and 3 more transcripts); c.153A>C, p.Leu51= (NM_001321820.2); c.12A>C, p.Leu4= (NM_001321822.2).
Identifiers: ClinVar variation 3057240 (VCV003057240.2), dbSNP rs2305036, ClinGen allele CA2524803.

ClinVar aggregate classification (germline): Benign (0 of 4 stars; one submission).

Conditions:
CBLB-related disorder. Also called: CBLB-related condition.

Allele frequency attached by ClinVar (database versions not stated): ESP Exome Variant Server 0.20437; 1000 Genomes Project 30x 0.20878; 1000 Genomes Project 0.21026; TOPMed 0.21489; gnomAD 0.21539; ExAC 0.22050.
gnomAD v4.1: 353,245 of 1,613,332 alleles (22%); highest among the groups gnomAD compares: Admixed American, 30%; 39,901 homozygotes.

Submission:

PreventionGenetics, part of Exact Sciences
Classification: Benign for CBLB-related condition. Last evaluated: 2019-11-06. Review status: no assertion criteria provided. Collection method: clinical testing. Allele origin: germline.
Comment: This variant is classified as benign based on ACMG/AMP sequence variant interpretation guidelines (Richards et al. 2015 PMID: 25741868, with internal and published modifications).